The following is an entry in ClinVar:

ClinVar aggregate classification (germline): Conflicting classifications of pathogenicity. Review status: criteria provided, conflicting classifications (1 of 4 stars). 3 submissions from 3 submitters: Uncertain significance (2); Likely benign (1). Last evaluated 2024-11-27.

Conditions:
Long QT syndrome (LQTS). Identifiers: MedGen C0023976, MeSH D008133, MONDO:0002442. Disease mechanism: loss of function. Inheritance: Various modes of inheritance.
Cardiovascular phenotype. Identifiers: MedGen CN230736.

Allele frequency attached by ClinVar (database versions not stated): gnomAD exomes below 0.00001; TOPMed below 0.00001; gnomAD 0.00001.
gnomAD v4.1: 2 of 1,613,862 alleles (0.00012%); highest among the groups gnomAD compares: African/African-American, 0.0013%; no homozygotes.

Submissions (3):

Labcorp Genetics (formerly Invitae), Labcorp
Classification: Uncertain significance for Long QT syndrome. Last evaluated: 2024-11-27. Review status: criteria provided, single submitter. Criteria: Invitae Variant Classification Sherloc (09022015). Collection method: clinical testing. Allele origin: germline.
Comment: This sequence change replaces valine, which is neutral and non-polar, with alanine, which is neutral and non-polar, at codon 3405 of the ANK2 protein (p.Val3405Ala). This variant is not present in population databases (gnomAD no frequency). This variant has not been reported in the literature in individuals affected with ANK2-related conditions. ClinVar contains an entry for this variant (Variation ID: 1760443). An algorithm developed to predict the effect of missense changes on protein structure and function outputs the following: PolyPhen-2: "Benign". The alanine amino acid residue is found in multiple mammalian species, which suggests that this missense change does not adversely affect protein function. In summary, the available evidence is currently insufficient to determine the role of this variant in disease. Therefore, it has been classified as a Variant of Uncertain Significance.

GeneDx
Classification: Uncertain significance. Last evaluated: 2024-09-05. Review status: criteria provided, single submitter. Criteria: GeneDx Variant Classification Process June 2021. Collection method: clinical testing. Allele origin: germline. Affected: yes.
Comment: Has not been previously published as pathogenic or benign to our knowledge; Not observed at significant frequency in large population cohorts (gnomAD); Located in exon 38, which is reported as being expressed in a brain-specific transcript (PMID: 1830053, 18790697, 26109584); In silico analysis indicates that this missense variant does not alter protein structure/function; This variant is associated with the following publications: (PMID: 1830053, 18790697, 26109584)

Ambry Genetics
Classification: Likely benign for Cardiovascular phenotype. Last evaluated: 2021-04-05. Review status: criteria provided, single submitter. Criteria: Ambry Variant Classification Scheme 2023. Collection method: clinical testing. Allele origin: germline.

NM_001148.6(ANK2):c.10214T>C (p.Val3405Ala)

Gene: ANK2 (ankyrin 2; plus strand). Cytogenetic location: 4q26.
Variant type: single nucleotide variant.
Coding change: c.10214T>C on transcript NM_001148.6 (MANE Select); coding-DNA position 10214, T replaced by C.
Protein change: p.Val3405Ala; replaces valine 3405 with alanine.
Molecular consequence: missense variant. On other transcripts: intron variant (68).
Genome position (GRCh38, 1-based): chr4:113,358,832, T>C. VCF-style: chr4-113358832-T-C. GRCh37 (hg19) VCF-style: chr4-114279988-T-C.
Other names: c.9980T>C, p.Val3327Ala (NM_001386142.1); c.6614T>C, p.Val2205Ala (NM_001386166.1); c.10355T>C, p.Val3452Ala (NM_001386174.1); c.10331T>C, p.Val3444Ala (NM_001386175.1); c.4412-1991T>C (NM_001386186.2, NM_001386148.2); c.4214-1991T>C (NM_001354269.3); c.4292-1991T>C (NM_001386187.2); c.4253-1991T>C (NM_001386147.1); and 35 more; short protein forms V2205A, V3405A, V3327A, V3444A, V3452A.
Identifiers: ClinVar variation 1760443 (VCV001760443.5), dbSNP rs1437645668, ClinGen allele CA357939932.